The following is an entry in ClinVar:

ClinVar aggregate classification (germline): Uncertain significance. Review status: criteria provided, multiple submitters, no conflicts (2 of 4 stars). 3 submissions from 3 submitters: Uncertain significance (3). Last evaluated 2024-09-02.

Conditions:
Osteogenesis imperfecta type 7 (OI7). Also called: OI type 7; OI type VII; OSTEOGENESIS IMPERFECTA, TYPE IIB; Osteogenesis imperfecta type 2B; OI type 2B; Osteogenesis imperfecta, perinatal lethal autosomal recessive. Identifiers: MedGen C1853162, MONDO:0012536, OMIM 610682.
Inborn genetic diseases. Identifiers: MedGen C0950123, MeSH D030342.
Osteogenesis imperfecta (OI). Identifiers: Orphanet 666, MedGen C0029434, MeSH D010013, MONDO:0019019.

Allele frequency attached by ClinVar (database versions not stated): gnomAD 0.00004; TOPMed 0.00005; ESP Exome Variant Server 0.00008.

Submissions (3):

Ambry Genetics
Classification: Uncertain significance for Inborn genetic diseases. Last evaluated: 2024-09-02. Review status: criteria provided, single submitter. Criteria: Ambry Variant Classification Scheme 2023. Collection method: clinical testing. Allele origin: germline.

Labcorp Genetics (formerly Invitae), Labcorp
Classification: Uncertain significance for Osteogenesis imperfecta type 7. Last evaluated: 2022-07-19. Review status: criteria provided, single submitter. Criteria: Invitae Variant Classification Sherloc (09022015). Collection method: clinical testing. Allele origin: germline.
Comment: This sequence change replaces serine, which is neutral and polar, with arginine, which is basic and polar, at codon 56 of the CRTAP protein (p.Ser56Arg). This variant is present in population databases (rs146112611, gnomAD 0.007%). This variant has not been reported in the literature in individuals affected with CRTAP-related conditions. ClinVar contains an entry for this variant (Variation ID: 852993). Algorithms developed to predict the effect of missense changes on protein structure and function are either unavailable or do not agree on the potential impact of this missense change (SIFT: "Deleterious"; PolyPhen-2: "Benign"; Align-GVGD: "Class C0"). In summary, the available evidence is currently insufficient to determine the role of this variant in disease. Therefore, it has been classified as a Variant of Uncertain Significance.

Genome Diagnostics Laboratory, The Hospital for Sick Children
Classification: Uncertain significance for Osteogenesis imperfecta. Last evaluated: 2019-12-01. Review status: criteria provided, single submitter. Criteria: ACMG Guidelines, 2015. Collection method: clinical testing. Allele origin: germline.

NM_006371.5(CRTAP):c.168C>G (p.Ser56Arg)

Gene: CRTAP (cartilage associated protein; plus strand). Cytogenetic location: 3p22.3.
Variant type: single nucleotide variant.
Coding change: c.168C>G on transcript NM_006371.5 (MANE Select); coding-DNA position 168, C replaced by G.
Protein change: p.Ser56Arg; replaces serine 56 with arginine.
Molecular consequence: missense variant.
Genome position (GRCh38, 1-based): chr3:33,114,245, C>G. VCF-style: chr3-33114245-C-G. GRCh37 (hg19) VCF-style: chr3-33155737-C-G.
Other names: short protein forms S56R.
Identifiers: ClinVar variation 852993 (VCV000852993.8), dbSNP rs146112611, ClinGen allele CA2300219.